The following is an entry in ClinVar:

ClinVar aggregate classification (germline): Uncertain significance (1 of 4 stars; one submission).

Conditions:
Hereditary cancer-predisposing syndrome. Also called: Tumor predisposition; Hereditary neoplastic syndrome; Neoplastic Syndromes, Hereditary; Hereditary Cancer Syndrome. Identifiers: Orphanet 140162, MedGen C0027672, MeSH D009386, MONDO:0015356.

Submission:

Ambry Genetics
Classification: Uncertain significance for Hereditary cancer-predisposing syndrome. Last evaluated: 2026-04-21. Review status: criteria provided, single submitter. Criteria: Ambry Variant Classification Scheme 2023. Collection method: clinical testing. Allele origin: germline.
Comment: The p.E70D variant (also known as c.210G>C), located in coding exon 1 of the VHL gene, results from a G to C substitution at nucleotide position 210. The glutamic acid at codon 70 is replaced by aspartic acid, an amino acid with highly similar properties. This variant was determined to be functionally neutral in one saturation genome editing assay (Buckley M et al. Nat Genet, 2024 Jul;56:1446-1455). This amino acid position is well conserved in available vertebrate species. In addition, the in silico prediction for this alteration is inconclusive. Based on the available evidence, the clinical significance of this variant remains unclear.

Literature cited by the submitters: PubMed 38969834.

NM_000551.4(VHL):c.210G>C (p.Glu70Asp)

Gene: VHL (von Hippel-Lindau tumor suppressor; plus strand). Cytogenetic location: 3p25.3.
Variant type: single nucleotide variant.
Coding change: c.210G>C on transcript NM_000551.4 (MANE Select); coding-DNA position 210, G replaced by C.
Protein change: p.Glu70Asp; replaces glutamic acid 70 with aspartic acid.
Molecular consequence: missense variant.
Genome position (GRCh38, 1-based): chr3:10,142,057, G>C. VCF-style: chr3-10142057-G-C. GRCh37 (hg19) VCF-style: chr3-10183741-G-C.
Other names: c.210G>C, p.Glu70Asp (NM_001354723.2, NM_198156.3); short protein forms E70D.
Identifiers: ClinVar variation 486720 (VCV000486720.6), dbSNP rs1553619417, ClinGen allele CA351748998.